The following is an entry in ClinVar:

ClinVar aggregate classification (germline): Uncertain significance (1 of 4 stars; one submission).

gnomAD v4.1: 5 of 1,580,770 alleles (0.00032%); highest among the groups gnomAD compares: Admixed American, 0.0018%; no homozygotes.

Submission:

Labcorp Genetics (formerly Invitae), Labcorp
Classification: Uncertain significance. Last evaluated: 2025-03-27. Review status: criteria provided, single submitter. Criteria: Invitae Variant Classification Sherloc (09022015). Collection method: clinical testing. Allele origin: germline.
Comment: This sequence change replaces threonine, which is neutral and polar, with methionine, which is neutral and non-polar, at codon 322 of the MAP3K8 protein (p.Thr322Met). The frequency data for this variant in the population databases is considered unreliable, as metrics indicate poor data quality at this position in the gnomAD database. This variant has not been reported in the literature in individuals affected with MAP3K8-related conditions. An algorithm developed to predict the effect of missense changes on protein structure and function (PolyPhen-2) suggests that this variant is likely to be disruptive. In summary, the available evidence is currently insufficient to determine the role of this variant in disease. Therefore, it has been classified as a Variant of Uncertain Significance.

NM_005204.4(MAP3K8):c.965C>T (p.Thr322Met)

Gene: MAP3K8 (mitogen-activated protein kinase kinase kinase 8; plus strand). Cytogenetic location: 10p11.23.
Variant type: single nucleotide variant.
Coding change: c.965C>T on transcript NM_005204.4 (MANE Select); coding-DNA position 965, C replaced by T.
Protein change: p.Thr322Met; replaces threonine 322 with methionine.
Molecular consequence: missense variant.
Genome position (GRCh38, 1-based): chr10:30,458,175, C>T. VCF-style: chr10-30458175-C-T. GRCh37 (hg19) VCF-style: chr10-30747104-C-T.
Other names: c.965C>T, p.Thr322Met (NM_001244134.1, NM_001320961.2); short protein forms T322M.
Identifiers: ClinVar variation 4706451 (VCV004706451.1).